The following is an entry in ClinVar:

ClinVar aggregate classification (germline): Uncertain significance (1 of 4 stars; one submission).

gnomAD v4.1: 3 of 1,614,232 alleles (0.00019%); highest among the groups gnomAD compares: Non-Finnish European, 0.00025%; no homozygotes.

Submission:

GeneDx
Classification: Uncertain significance. Last evaluated: 2024-03-06. Review status: criteria provided, single submitter. Criteria: GeneDx Variant Classification Process June 2021. Collection method: clinical testing. Allele origin: germline. Affected: yes.
Comment: In silico analysis supports that this missense variant does not alter protein structure/function; Has not been previously published as pathogenic or benign to our knowledge

NM_001370100.5(ZMYND11):c.1296A>C (p.Glu432Asp)

Genes: ZMYND11 (zinc finger MYND-type containing 11; plus strand), LOC126860802 (BRD4-independent group 4 enhancer GRCh37_chr10:294268-295467; plus strand). Cytogenetic location: 10p15.3.
Variant type: single nucleotide variant.
Coding change: c.1296A>C on transcript NM_001370100.5 (MANE Select); coding-DNA position 1296, A replaced by C.
Protein change: p.Glu432Asp; replaces glutamic acid 432 with aspartic acid.
Molecular consequence: missense variant. On other transcripts: non-coding transcript variant (1).
Genome position (GRCh38, 1-based): chr10:248,404, A>C. VCF-style: chr10-248404-A-C. GRCh37 (hg19) VCF-style: chr10-294344-A-C.
Other names: c.1134A>C, p.Glu378Asp (NM_001202464.3, NM_001202467.1, NM_001370103.2 and 6 more transcripts); c.1041A>C, p.Glu347Asp (NM_001202465.3, NM_001370110.2); c.1131A>C, p.Glu377Asp (NM_001202466.3, NM_001370111.2); c.1296A>C, p.Glu432Asp (NM_001202468.1, NM_001370097.3, NM_001370098.2 and 4 more transcripts); c.1245A>C, p.Glu415Asp (NM_001330057.3, NM_001370112.2); c.1203A>C, p.Glu401Asp (NM_001370113.2, NM_001370114.2); c.1293A>C, p.Glu431Asp (NM_001370115.2, NM_212479.4); c.1230A>C, p.Glu410Asp (NM_001370116.2); and 8 more; short protein forms E275D, E313D, E330D, E338D, E347D, E356D, E377D, E378D.
Identifiers: ClinVar variation 3370545 (VCV003370545.1).